The following is an entry in ClinVar:

NM_001943.5(DSG2):c.543C>G (p.Ile181Met)

Gene: DSG2 (desmoglein 2; plus strand). Cytogenetic location: 18q12.1.
Variant type: single nucleotide variant.
Coding change: c.543C>G on transcript NM_001943.5 (MANE Select); coding-DNA position 543, C replaced by G.
Protein change: p.Ile181Met; replaces isoleucine 181 with methionine.
Molecular consequence: missense variant.
Genome position (GRCh38, 1-based): chr18:31,522,102, C>G. VCF-style: chr18-31522102-C-G. GRCh37 (hg19) VCF-style: chr18-29102065-C-G.
Other names: short protein forms I181M.
Identifiers: ClinVar variation 3637545 (VCV003637545.2).

ClinVar aggregate classification (germline): Uncertain significance (1 of 4 stars; one submission).

Conditions:
Arrhythmogenic right ventricular dysplasia 10. Also called: Arrhythmogenic right ventricular dysplasia/cardiomyopathy, type 10; Arrhythmogenic Right Ventricular Dysplasia/Cardiomyopathy10; ARRHYTHMOGENIC RIGHT VENTRICULAR DYSPLASIA, FAMILIAL, 10. Identifiers: MedGen C1857777, MONDO:0012434, OMIM 610193.

Submission:

Labcorp Genetics (formerly Invitae), Labcorp
Classification: Uncertain significance for Arrhythmogenic right ventricular dysplasia 10. Last evaluated: 2025-07-28. Review status: criteria provided, single submitter. Criteria: Invitae Variant Classification Sherloc (09022015). Collection method: clinical testing. Allele origin: germline.
Comment: This sequence change replaces isoleucine, which is neutral and non-polar, with methionine, which is neutral and non-polar, at codon 181 of the DSG2 protein (p.Ile181Met). This variant is not present in population databases (gnomAD no frequency). This variant has not been reported in the literature in individuals affected with DSG2-related conditions. ClinVar contains an entry for this variant (Variation ID: 3637545). Invitae Evidence Modeling of protein sequence and biophysical properties (such as structural, functional, and spatial information, amino acid conservation, physicochemical variation, residue mobility, and thermodynamic stability) indicates that this missense variant is not expected to disrupt DSG2 protein function with a negative predictive value of 95%. In summary, the available evidence is currently insufficient to determine the role of this variant in disease. Therefore, it has been classified as a Variant of Uncertain Significance.